The following is an entry in ClinVar:

ClinVar aggregate classification (germline): Uncertain significance (1 of 4 stars; one submission).

Conditions:
Inborn genetic diseases. Identifiers: MedGen C0950123, MeSH D030342.

gnomAD v4.1: 1 of 1,614,162 alleles (0.000062%); no homozygotes.

Submission:

Ambry Genetics
Classification: Uncertain significance for Inborn genetic diseases. Last evaluated: 2024-10-31. Review status: criteria provided, single submitter. Criteria: Ambry Variant Classification Scheme 2023. Collection method: clinical testing. Allele origin: germline.
Comment: The c.538A>G (p.T180A) alteration is located in exon 4 (coding exon 4) of the RBFOX2 gene. This alteration results from an A to G substitution at nucleotide position 538, causing the threonine (T) at amino acid position 180 to be replaced by an alanine (A). This variant was not reported in population-based cohorts in the Genome Aggregation Database (gnomAD). This amino acid position is well conserved in available vertebrate species. This missense alteration is located in a region that has a low rate of benign missense variation (Lek, 2016; Firth, 2009). This alteration is predicted to be tolerated by in silico analysis. Based on insufficient or conflicting evidence, the clinical significance of this alteration remains unclear.

NM_001349999.2(RBFOX2):c.538A>G (p.Thr180Ala)

Gene: RBFOX2 (RNA binding fox-1 homolog 2; minus strand). Cytogenetic location: 22q12.3.
Variant type: single nucleotide variant.
Coding change: c.538A>G on transcript NM_001349999.2 (MANE Select); coding-DNA position 538, A replaced by G.
Protein change: p.Thr180Ala; replaces threonine 180 with alanine.
Molecular consequence: missense variant.
Genome position (GRCh38, 1-based): chr22:35,781,671, T>C on the plus strand (A>G on the coding strand, the complement: RBFOX2 is on the minus strand). VCF-style: chr22-35781671-T-C. GRCh37 (hg19) VCF-style: chr22-36177718-T-C.
Other names: c.325A>G, p.Thr109Ala (NM_001031695.4, NM_001082576.3, NM_001082577.3 and 2 more transcripts); c.538A>G, p.Thr180Ala (NM_001082578.4, NM_001394109.1, NM_001394112.1 and 1 more transcripts); c.535A>G, p.Thr179Ala (NM_001082579.3, NM_001394108.1, NM_001394110.1 and 3 more transcripts); c.391A>G, p.Thr131Ala (NM_001349982.2, NM_001349989.2, NM_001349990.2 and 4 more transcripts); c.394A>G, p.Thr132Ala (NM_001349996.2); c.328A>G, p.Thr110Ala (NM_001349997.2, NM_014309.4); short protein forms T180A, T109A, T110A, T179A, T131A, T132A.
Identifiers: ClinVar variation 3431065 (VCV003431065.1).
Genomic context (GRCh38, chr22:35,781,671, plus strand): 5'-GCCGGAGGTCAGGGTCCCGGAAGCGGAAAGGAATATTAGAGACATGCAGCCGTTTCGGGG[T>C]AGATTTACTCTCTGAATTTTCACTACTTTGTGTCTGTGACTGCTGGCCGTCTGTCTGTGC-3'
Protein context (NP_001336928.2, residues 170-190): QSSENSESKS[Thr180Ala]PKRLHVSNIP